The following is an entry in ClinVar:

ClinVar aggregate classification (germline): Uncertain significance. Review status: criteria provided, multiple submitters, no conflicts (2 of 4 stars). 5 submissions from 5 submitters: Uncertain significance (5). Last evaluated 2025-11-17.

Conditions:
DICER1-related tumor predisposition. Also called: DICER1-related pleuropulmonary blastoma cancer predisposition syndrome; DICER1 syndrome. Identifiers: Orphanet 284343, MedGen C3839822, MONDO:0100216.
Hereditary cancer-predisposing syndrome. Also called: Tumor predisposition; Neoplastic Syndromes, Hereditary; Hereditary Cancer Syndrome; Hereditary neoplastic syndrome. Identifiers: Orphanet 140162, MedGen C0027672, MeSH D009386, MONDO:0015356.

Allele frequency attached by ClinVar (database versions not stated): gnomAD exomes below 0.00001; ExAC 0.00001.
gnomAD v4.1: 2 of 1,614,230 alleles (0.00012%); highest among the groups gnomAD compares: Middle Eastern, 0.016%; no homozygotes.

Submissions (5):

Labcorp Genetics (formerly Invitae), Labcorp
Classification: Uncertain significance for DICER1-related tumor predisposition. Last evaluated: 2025-11-17. Review status: criteria provided, single submitter. Criteria: Invitae Variant Classification Sherloc (09022015). Collection method: clinical testing. Allele origin: germline.
Comment: This sequence change replaces glutamine, which is neutral and polar, with arginine, which is basic and polar, at codon 1614 of the DICER1 protein (p.Gln1614Arg). This variant is present in population databases (rs769225805, gnomAD 0.0009%). This variant has not been reported in the literature in individuals affected with DICER1-related conditions. ClinVar contains an entry for this variant (Variation ID: 477221). Invitae Evidence Modeling of protein sequence and biophysical properties (such as structural, functional, and spatial information, amino acid conservation, physicochemical variation, residue mobility, and thermodynamic stability) indicates that this missense variant is not expected to disrupt DICER1 protein function with a negative predictive value of 95%. In summary, the available evidence is currently insufficient to determine the role of this variant in disease. Therefore, it has been classified as a Variant of Uncertain Significance.

Ambry Genetics
Classification: Uncertain significance for Hereditary cancer-predisposing syndrome. Last evaluated: 2025-07-12. Review status: criteria provided, single submitter. Criteria: Ambry Variant Classification Scheme 2023. Collection method: clinical testing. Allele origin: germline.
Comment: The p.Q1614R variant (also known as c.4841A>G), located in coding exon 22 of the DICER1 gene, results from an A to G substitution at nucleotide position 4841. The glutamine at codon 1614 is replaced by arginine, an amino acid with highly similar properties. This amino acid position is well conserved in available vertebrate species. In addition, this alteration is predicted to be tolerated by in silico analysis. Since supporting evidence is limited at this time, the clinical significance of this alteration remains unclear.

Hereditary Cancer Group, L’Institut d'Investigació Biomèdica de Bellvitge
Classification: Uncertain significance for Hereditary cancer-predisposing syndrome. Last evaluated: 2024-12-19. Review status: criteria provided, single submitter. Criteria: Hatton et al. (Hum Mutat. 2023). Collection method: clinical testing. Allele origin: germline. Inheritance: Autosomal dominant inheritance. Affected: yes.
Comment: PM2_supporting, BP4

GeneDx
Classification: Uncertain significance. Last evaluated: 2023-10-11. Review status: criteria provided, single submitter. Criteria: GeneDx Variant Classification Process June 2021. Collection method: clinical testing. Allele origin: germline. Affected: yes.
Comment: Has not been previously published as pathogenic or benign to our knowledge; Not observed at significant frequency in large population cohorts (gnomAD); In silico analysis supports that this missense variant does not alter protein structure/function

St. Jude Molecular Pathology, St. Jude Children's Research Hospital
Classification: Uncertain significance for DICER1-related tumor predisposition. Last evaluated: 2021-10-20. Review status: criteria provided, single submitter. Criteria: St. Jude Assertion Criteria 2020. Collection method: clinical testing. Allele origin: germline.
Comment: The DICER1 c.4841A>G (p.Gln1614Arg) missense change has a maximum subpopulation frequency of 0.00088% in gnomAD v2.1.1 (PM2_supporting). Six of seven in silico tools predict a benign effect of this variant on protein function (BP4), but to our knowledge these predictions have not been confirmed by functional assays. This variant occurs in a gene where missense variants are more likely to be damaging based on methods described by Lek et al. (PP2; PMID: 27535533). To our knowledge, this variant has not been reported in individuals with DICER1 syndrome. In summary, this variant meets criteria to be classified as of uncertain significance based on the ACMG/AMP criteria: PM2_supporting, PP2, BP4.

NM_177438.3(DICER1):c.4841A>G (p.Gln1614Arg)

Gene: DICER1 (dicer 1, ribonuclease III; minus strand). Cytogenetic location: 14q32.13.
Variant type: single nucleotide variant.
Coding change: c.4841A>G on transcript NM_177438.3 (MANE Select); coding-DNA position 4841, A replaced by G.
Protein change: p.Gln1614Arg; replaces glutamine 1614 with arginine.
Molecular consequence: missense variant.
Genome position (GRCh38, 1-based): chr14:95,096,079, T>C on the plus strand (A>G on the coding strand, the complement: DICER1 is on the minus strand). VCF-style: chr14-95096079-T-C. GRCh37 (hg19) VCF-style: chr14-95562416-T-C.
Other names: c.4841A>G, p.Gln1614Arg (NM_001195573.1, NM_001271282.3, NM_001291628.2 and 1 more transcripts); short protein forms Q1614R.
Identifiers: ClinVar variation 477221 (VCV000477221.20), dbSNP rs769225805, ClinGen allele CA7330786.